The following is an entry in ClinVar:

NM_022489.4(INF2):c.1804A>G (p.Ile602Val)

Gene: INF2 (inverted formin 2; plus strand). Cytogenetic location: 14q32.33.
Variant type: single nucleotide variant.
Coding change: c.1804A>G on transcript NM_022489.4 (MANE Select); coding-DNA position 1804, A replaced by G.
Protein change: p.Ile602Val; replaces isoleucine 602 with valine.
Molecular consequence: missense variant. On other transcripts: non-coding transcript variant (1).
Genome position (GRCh38, 1-based): chr14:104,708,504, A>G. VCF-style: chr14-104708504-A-G. GRCh37 (hg19) VCF-style: chr14-105174841-A-G.
Other names: c.1804A>G, p.Ile602Val (NM_001031714.4, NM_001426862.1, NM_001426863.1 and 2 more transcripts); short protein forms I602V.
Identifiers: ClinVar variation 3760724 (VCV003760724.2).

ClinVar aggregate classification (germline): Uncertain significance (1 of 4 stars; one submission).

Conditions:
Focal segmental glomerulosclerosis 5 (FSGS5). Identifiers: Orphanet 656, MedGen C2750475, MONDO:0013191, OMIM 613237.
Charcot-Marie-Tooth disease dominant intermediate E. Also called: CHARCOT-MARIE-TOOTH NEUROPATHY WITH FOCAL SEGMENTAL GLOMERULONEPHRITIS. Identifiers: Orphanet 93114, MedGen C4302667, MONDO:0013758, OMIM 614455.

gnomAD v4.1: 1 of 1,612,396 alleles (0.000062%); highest among the groups gnomAD compares: Non-Finnish European, 0.000085%; no homozygotes.

Submission:

Labcorp Genetics (formerly Invitae), Labcorp
Classification: Uncertain significance for Charcot-Marie-Tooth disease dominant intermediate E; Focal segmental glomerulosclerosis 5. Last evaluated: 2024-12-24. Review status: criteria provided, single submitter. Criteria: Invitae Variant Classification Sherloc (09022015). Collection method: clinical testing. Allele origin: germline.
Comment: This sequence change replaces isoleucine, which is neutral and non-polar, with valine, which is neutral and non-polar, at codon 602 of the INF2 protein (p.Ile602Val). This variant is not present in population databases (gnomAD no frequency). This variant has not been reported in the literature in individuals affected with INF2-related conditions. Invitae Evidence Modeling of protein sequence and biophysical properties (such as structural, functional, and spatial information, amino acid conservation, physicochemical variation, residue mobility, and thermodynamic stability) indicates that this missense variant is not expected to disrupt INF2 protein function with a negative predictive value of 95%. In summary, the available evidence is currently insufficient to determine the role of this variant in disease. Therefore, it has been classified as a Variant of Uncertain Significance.